The following is an entry in ClinVar:

ClinVar aggregate classification (germline): Uncertain significance (0 of 4 stars; one submission).

Conditions:
SEMA3C-related disorder. Also called: SEMA3C-related condition.

gnomAD v4.1: 20 of 1,613,902 alleles (0.0012%); highest among the groups gnomAD compares: Non-Finnish European, 0.0015%; no homozygotes.

Submission:

PreventionGenetics, part of Exact Sciences
Classification: Uncertain significance for SEMA3C-related condition. Last evaluated: 2024-01-22. Review status: no assertion criteria provided. Collection method: clinical testing. Allele origin: germline.
Comment: The SEMA3C c.1258C>T variant is predicted to result in the amino acid substitution p.Arg420Trp. To our knowledge, this variant has not been reported in the literature. This variant is reported in 0.0040% of alleles in individuals of African descent in gnomAD. At this time, the clinical significance of this variant is uncertain due to the absence of conclusive functional and genetic evidence.

NM_006379.5(SEMA3C):c.1204C>T (p.Arg402Trp)

Gene: SEMA3C (semaphorin 3C; minus strand). Cytogenetic location: 7q21.11.
Variant type: single nucleotide variant.
Coding change: c.1204C>T on transcript NM_006379.5 (MANE Select); coding-DNA position 1204, C replaced by T.
Protein change: p.Arg402Trp; replaces arginine 402 with tryptophan.
Molecular consequence: missense variant.
Genome position (GRCh38, 1-based): chr7:80,789,456, G>A on the plus strand (C>T on the coding strand, the complement: SEMA3C is on the minus strand). VCF-style: chr7-80789456-G-A. GRCh37 (hg19) VCF-style: chr7-80418772-G-A.
Other names: c.1258C>T, p.Arg420Trp (NM_001350120.2); c.1030C>T, p.Arg344Trp (NM_001350121.2); short protein forms R344W, R402W, R420W.
Identifiers: ClinVar variation 3352247 (VCV003352247.1).